The following is an entry in ClinVar:

NM_001458.5(FLNC):c.470G>T (p.Arg157Leu)

Gene: FLNC (filamin C; plus strand). Cytogenetic location: 7q32.1.
Variant type: single nucleotide variant.
Coding change: c.470G>T on transcript NM_001458.5 (MANE Select); coding-DNA position 470, G replaced by T.
Protein change: p.Arg157Leu; replaces arginine 157 with leucine.
Molecular consequence: missense variant.
Genome position (GRCh38, 1-based): chr7:128,835,443, G>T. VCF-style: chr7-128835443-G-T. GRCh37 (hg19) VCF-style: chr7-128475497-G-T.
Other names: c.470G>T, p.Arg157Leu (NM_001127487.2); short protein forms R157L.
Identifiers: ClinVar variation 2450887 (VCV002450887.2), dbSNP rs752919962, ClinGen allele CA369219299.

ClinVar aggregate classification (germline): Uncertain significance (1 of 4 stars; one submission).

Conditions:
Cardiovascular phenotype. Identifiers: MedGen CN230736.

Submission:

Ambry Genetics
Classification: Uncertain significance for Cardiovascular phenotype. Last evaluated: 2022-12-07. Review status: criteria provided, single submitter. Criteria: Ambry Variant Classification Scheme 2023. Collection method: clinical testing. Allele origin: germline.
Comment: The p.R157L variant (also known as c.470G>T), located in coding exon 2 of the FLNC gene, results from a G to T substitution at nucleotide position 470. The arginine at codon 157 is replaced by leucine, an amino acid with dissimilar properties. This amino acid position is conserved. In addition, this alteration is predicted to be tolerated by in silico analysis. Since supporting evidence is limited at this time, the clinical significance of this alteration remains unclear.